The following is an entry in ClinVar:

NM_001330078.2(NRXN1):c.2880-22_2880-14del

Gene: NRXN1 (neurexin 1; minus strand). Cytogenetic location: 2p16.3.
Variant type: Deletion.
Coding change: c.2880-22_2880-14del on transcript NM_001330078.2 (MANE Select); 22 bases into the intron before coding-DNA position 2880 through 14 bases into the intron before coding-DNA position 2880, 9 bases deleted (CCCTCTTTC; older notation c.2880-22_2880-14delCCCTCTTTC).
Molecular consequence: intron variant.
Genome position (GRCh38, 1-based): chr2:50,496,109-50,496,117, GAAAGAGGG deleted on the plus strand (CCCTCTTTC on the coding strand, the reverse complement: NRXN1 is on the minus strand); deleting any 9 consecutive bases within chr2:50,496,109-50,496,122 gives the same sequence; the c. name uses the placement nearest the transcript's 3' end. VCF-style (leftmost placement, unchanged base first): chr2-50496108-TGAAAGAGGG-T. GRCh37 (hg19) VCF-style: chr2-50723246-TGAAAGAGGG-T.
Other names: c.3000-22_3000-14delCCCTCTTTC (NM_001135659.1); c.2769-22_2769-14del (NM_001330096.2, NM_001330087.2); c.2814-22_2814-14del (NM_001330083.2, NM_001330084.2); c.2799-22_2799-14del (NM_001330088.2); c.2877-22_2877-14del (NM_001330093.2); c.2868-22_2868-14del (NM_001330094.2); c.2829-22_2829-14del (NM_001330095.2); c.2856-22_2856-14del (NM_001330082.2, NM_001330077.2); and 3 more.
Identifiers: ClinVar variation 420830 (VCV000420830.8), dbSNP rs755734707, ClinGen allele CA1654707.
Genomic context (GRCh38, chr2:50,496,108, plus strand): 5'-TTGATGAGGTTAGCACCATTTCCCAAATCAAACACGTAATGTAAGTACCTGGGAAAAAAA[TGAAAGAGGG>T]GAAAGTGCCATCACTTTTTAAATTTTGATGAACCTAAAGTAGATATTACAAATGGAGATT-3'

ClinVar aggregate classification (germline): Likely benign. Review status: criteria provided, multiple submitters, no conflicts (2 of 4 stars). 2 submissions from 2 submitters: Likely benign (2). Last evaluated 2026-02-02.

Conditions:
Pitt-Hopkins-like syndrome 2 (PTHSL2). Identifiers: Orphanet 221150, Orphanet 600663, MedGen C3280479, MONDO:0013690, OMIM 614325.

Submissions (2):

Labcorp Genetics (formerly Invitae), Labcorp
Classification: Likely benign for Pitt-Hopkins-like syndrome 2. Last evaluated: 2026-02-02. Review status: criteria provided, single submitter. Criteria: Invitae Variant Classification Sherloc (09022015). Collection method: clinical testing. Allele origin: germline.

GeneDx
Classification: Likely benign. Last evaluated: 2016-04-11. Review status: criteria provided, single submitter. Criteria: GeneDx Variant Classification (06012015). Collection method: clinical testing. Allele origin: germline. Affected: yes.
Comment: This variant is considered likely benign or benign based on one or more of the following criteria: it is a conservative change, it occurs at a poorly conserved position in the protein, it is predicted to be benign by multiple in silico algorithms, and/or has population frequency not consistent with disease.